The following is an entry in ClinVar:

ClinVar aggregate classification (germline): Uncertain significance (1 of 4 stars; one submission).

Submission:

Women's Health and Genetics/Laboratory Corporation of America, LabCorp
Classification: Uncertain significance. Last evaluated: 2024-05-31. Review status: criteria provided, single submitter. Criteria: LabCorp Variant Classification Summary - May 2015. Collection method: clinical testing. Allele origin: germline.
Comment: Variant summary: FKRP c.808C>T (p.Arg270Cys) results in a non-conservative amino acid change in the encoded protein sequence. Four of five in-silico tools predict a damaging effect of the variant on protein function. The variant was absent in 98410 control chromosomes. c.808C>T has been reported in the literature in two individuals affected with Limb-Girdle Muscular Dystrophy, Autosomal Recessive (Awano_2021, Fichna_2018, Macias_2021). These data indicate that the variant may be associated with disease. To our knowledge, no experimental evidence demonstrating an impact on protein function has been reported. The following publications have been ascertained in the context of this evaluation (PMID: 34509255, 29970176, 34720847). No submitters have cited clinical-significance assessments for this variant to ClinVar. Based on the evidence outlined above, the variant was classified as VUS-possibly pathogenic.

Literature cited by the submitters: PubMed 29970176; PubMed 34720847; PubMed 34509255.

NM_024301.5(FKRP):c.808C>T (p.Arg270Cys)

Gene: FKRP (fukutin related protein; plus strand). Cytogenetic location: 19q13.32.
Variant type: single nucleotide variant.
Coding change: c.808C>T on transcript NM_024301.5 (MANE Select); coding-DNA position 808, C replaced by T.
Protein change: p.Arg270Cys; replaces arginine 270 with cysteine.
Molecular consequence: missense variant.
Genome position (GRCh38, 1-based): chr19:46,756,258, C>T. VCF-style: chr19-46756258-C-T. GRCh37 (hg19) VCF-style: chr19-47259515-C-T.
Other names: c.808C>T, p.Arg270Cys (NM_001039885.3); short protein forms R270C.
Identifiers: ClinVar variation 3336032 (VCV003336032.1).